The following is an entry in ClinVar:

ClinVar aggregate classification (germline): Benign/Likely benign. Review status: criteria provided, multiple submitters, no conflicts (2 of 4 stars). 4 submissions from 4 submitters: Benign (2); Likely benign (2). Last evaluated 2026-01-31.

Conditions:
Pontocerebellar hypoplasia type 9. Identifiers: Orphanet 369920, MedGen C4014354, MONDO:0014351, OMIM 615809.
Hereditary spastic paraplegia 63. Also called: Spastic paraplegia 63, autosomal recessive. Identifiers: Orphanet 401805, MedGen C3810295, MONDO:0014305, OMIM 615686.

Allele frequency attached by ClinVar (database versions not stated): 1000 Genomes Project 0.00040; 1000 Genomes Project 30x 0.00047; ESP Exome Variant Server 0.00085; ExAC 0.00111; gnomAD exomes 0.00111 and 0.00122; gnomAD 0.00129 and 0.00149; TOPMed 0.00140.

Submissions (4):

Labcorp Genetics (formerly Invitae), Labcorp
Classification: Benign for Pontocerebellar hypoplasia type 9; Hereditary spastic paraplegia 63. Last evaluated: 2026-01-31. Review status: criteria provided, single submitter. Criteria: Invitae Variant Classification Sherloc (09022015). Collection method: clinical testing. Allele origin: germline.

CeGaT Center for Human Genetics Tuebingen
Classification: Likely benign. Last evaluated: 2025-05-01. Review status: criteria provided, single submitter. Criteria: CeGaT Center For Human Genetics Tuebingen Variant Classification Criteria Version 2. Collection method: clinical testing. Allele origin: germline. Affected: yes. Observed: 2 variant alleles.
Comment: AMPD2: BS2

Blueprint Genetics
Classification: Likely benign. Last evaluated: 2024-11-21. Review status: criteria provided, single submitter. Criteria: ACMG Guidelines, 2015. Collection method: clinical testing. Allele origin: germline.

Breakthrough Genomics
Classification: Benign. Review status: criteria provided, single submitter. Criteria: ACMG Guidelines, 2015. Collection method: not provided. Allele origin: germline. Inheritance: Autosomal recessive inheritance. Affected: yes.

NM_001368809.2(AMPD2):c.1276-20A>G

Genes: AMPD2 (adenosine monophosphate deaminase 2; plus strand), LOC126805822 (BRD4-independent group 4 enhancer GRCh37_chr1:110170748-110171947; plus strand). Cytogenetic location: 1p13.3.
Variant type: single nucleotide variant.
Coding change: c.1276-20A>G on transcript NM_001368809.2 (MANE Select); 20 bases into the intron before coding-DNA position 1276, A replaced by G.
Molecular consequence: intron variant.
Genome position (GRCh38, 1-based): chr1:109,628,344, A>G. VCF-style: chr1-109628344-A-G. GRCh37 (hg19) VCF-style: chr1-110170966-A-G.
Other names: c.1195-20A>G (NM_139156.4); c.1213-20A>G (NM_001308170.1); c.1276-20A>G (NM_004037.9); c.1084-20A>G (NM_001257361.2).
Identifiers: ClinVar variation 1601469 (VCV001601469.34), dbSNP rs140464475, ClinGen allele CA993068.